The following is an entry in ClinVar:

NM_001001557.4(GDF6):c.845C>G (p.Thr282Ser)

Gene: GDF6 (growth differentiation factor 6; minus strand). Cytogenetic location: 8q22.1.
Variant type: single nucleotide variant.
Coding change: c.845C>G on transcript NM_001001557.4 (MANE Select); coding-DNA position 845, C replaced by G.
Protein change: p.Thr282Ser; replaces threonine 282 with serine.
Molecular consequence: missense variant.
Genome position (GRCh38, 1-based): chr8:96,145,086, G>C on the plus strand (C>G on the coding strand, the complement: GDF6 is on the minus strand). VCF-style: chr8-96145086-G-C. GRCh37 (hg19) VCF-style: chr8-97157314-G-C.
Other names: short protein forms T282S.
Identifiers: ClinVar variation 2046627 (VCV002046627.4), dbSNP rs1305809046, ClinGen allele CA371751688.
Genomic context (GRCh38, chr8:96,145,086, plus strand): 5'-GCCTCGGCCGAGCCCAGCTGCTCGCGCATCTCTGCGAACAGGTTCTTGCGCTGGGATCTG[G>C]TGAATACCACCAGCAGGGCCCGCTCCTGGGGAGGCCGCACCCTCCGGCCGAAGCCCAGAC-3'
Protein context (NP_001001557.1, residues 272-292): PQERALLVVF[Thr282Ser]RSQRKNLFAE

ClinVar aggregate classification (germline): Uncertain significance (1 of 4 stars; one submission).

Conditions:
Klippel-Feil syndrome 1, autosomal dominant (KFS1). Also called: CERVICAL VERTEBRAL FUSION, AUTOSOMAL DOMINANT. Identifiers: Orphanet 2345, MedGen C1861689, MONDO:0007306, OMIM 118100.
Isolated microphthalmia 4. Identifiers: Orphanet 2542, MedGen C2751307, MONDO:0013130, OMIM 613094.
Microphthalmia, isolated, with coloboma 6 (MCOPCB6). Also called: Microphthalmia with coloboma 6, digenic; Microphthalmia with coloboma 6; MICROPHTHALMIA/COLOBOMA 6. Identifiers: Orphanet 98938, MedGen C3150968, MONDO:0013376, OMIM 613703.
Leber congenital amaurosis 17 (LCA17). Identifiers: Orphanet 65, MedGen C3715164, MONDO:0014145, OMIM 615360.

Allele frequency attached by ClinVar (database versions not stated): TOPMed below 0.00001; gnomAD 0.00001.

Submission:

Labcorp Genetics (formerly Invitae), Labcorp
Classification: Uncertain significance for Isolated microphthalmia 4; Leber congenital amaurosis 17; Klippel-Feil syndrome 1, autosomal dominant; Microphthalmia, isolated, with coloboma 6. Last evaluated: 2021-12-18. Review status: criteria provided, single submitter. Criteria: Invitae Variant Classification Sherloc (09022015). Collection method: clinical testing. Allele origin: germline.
Comment: Algorithms developed to predict the effect of sequence changes on RNA splicing suggest that this variant may create or strengthen a splice site. Algorithms developed to predict the effect of missense changes on protein structure and function output the following: SIFT: "Tolerated"; PolyPhen-2: "Benign"; Align-GVGD: "Class C0". The serine amino acid residue is found in multiple mammalian species, which suggests that this missense change does not adversely affect protein function. This variant has not been reported in the literature in individuals affected with GDF6-related conditions. This variant is not present in population databases (gnomAD no frequency). This sequence change replaces threonine, which is neutral and polar, with serine, which is neutral and polar, at codon 282 of the GDF6 protein (p.Thr282Ser). In summary, the available evidence is currently insufficient to determine the role of this variant in disease. Therefore, it has been classified as a Variant of Uncertain Significance.